The following is an entry in ClinVar:

NM_006736.6(DNAJB2):c.17A>G (p.Glu6Gly)

Gene: DNAJB2 (DnaJ heat shock protein family (Hsp40) member B2; plus strand). Cytogenetic location: 2q35.
Variant type: single nucleotide variant.
Coding change: c.17A>G on transcript NM_006736.6 (MANE Select); coding-DNA position 17, A replaced by G.
Protein change: p.Glu6Gly; replaces glutamic acid 6 with glycine.
Molecular consequence: missense variant.
Genome position (GRCh38, 1-based): chr2:219,279,850, A>G. VCF-style: chr2-219279850-A-G. GRCh37 (hg19) VCF-style: chr2-220144572-A-G.
Other names: c.17A>G, p.Glu6Gly (NM_001039550.2); short protein forms E6G.
Identifiers: ClinVar variation 1941286 (VCV001941286.2), dbSNP rs2545027054, ClinGen allele CA350645957.
Genomic context (GRCh38, chr2:219,279,850, plus strand): 5'-TTCTGCAGCCCCAAGGAGGCCCGCCTGACGACTGACCAGTTGCCATGGCATCCTACTACG[A>G]GATCCTAGACGTGCCGCGAAGTGCGTCCGCTGATGACATCAAGAAGGCGTAAGTGCCTCC-3'
Protein context (NP_006727.2, residues 1-16): MASYY[Glu6Gly]ILDVPRSASA

ClinVar aggregate classification (germline): Uncertain significance (1 of 4 stars; one submission).

Conditions:
Neuronopathy, distal hereditary motor, autosomal recessive 5. Also called: NEUROPATHY, DISTAL HEREDITARY MOTOR, AUTOSOMAL RECESSIVE 5; Spinal muscular atrophy, distal, autosomal recessive, 5; Young adult-onset distal hereditary motor neuropathy. Identifiers: Orphanet 314485, Orphanet 443950, MedGen C4749918, MONDO:0013947, OMIM 614881.

Allele frequency attached by ClinVar (database versions not stated): gnomAD exomes below 0.00001.

Submission:

Labcorp Genetics (formerly Invitae), Labcorp
Classification: Uncertain significance for Neuronopathy, distal hereditary motor, autosomal recessive 5. Last evaluated: 2021-08-13. Review status: criteria provided, single submitter. Criteria: Invitae Variant Classification Sherloc (09022015). Collection method: clinical testing. Allele origin: germline.
Comment: This sequence change replaces glutamic acid with glycine at codon 6 of the DNAJB2 protein (p.Glu6Gly). The glutamic acid residue is weakly conserved and there is a moderate physicochemical difference between glutamic acid and glycine. This variant is not present in population databases (ExAC no frequency). This variant has not been reported in the literature in individuals affected with DNAJB2-related conditions. Algorithms developed to predict the effect of missense changes on protein structure and function (SIFT, PolyPhen-2, Align-GVGD) all suggest that this variant is likely to be tolerated. In summary, the available evidence is currently insufficient to determine the role of this variant in disease. Therefore, it has been classified as a Variant of Uncertain Significance.